The following is an entry in ClinVar:

NM_007194.4(CHEK2):c.575C>A (p.Ser192Ter)

Gene: CHEK2 (checkpoint kinase 2; minus strand). Cytogenetic location: 22q12.1.
Variant type: single nucleotide variant.
Coding change: c.575C>A on transcript NM_007194.4 (MANE Select); coding-DNA position 575, C replaced by A.
Protein change: p.Ser192Ter; replaces serine 192 with a stop codon.
Molecular consequence: nonsense. On other transcripts: 5 prime UTR variant (2), intron variant (1).
Genome position (GRCh38, 1-based): chr22:28,724,994, G>T on the plus strand (C>A on the coding strand, the complement: CHEK2 is on the minus strand). VCF-style: chr22-28724994-G-T. GRCh37 (hg19) VCF-style: chr22-29120982-G-T.
Other names: c.704C>A, p.Ser235Ter (NM_001005735.3, NM_001438294.1); c.-203C>A (NM_001257387.3); c.-89C>A (NM_001437942.1); c.668C>A, p.Ser223Ter (NM_001438293.1, NM_001438295.1); c.575C>A, p.Ser192Ter (NM_145862.3); c.445-71C>A (NM_001349956.3); short protein forms S192*, S235*, S223*.
Identifiers: ClinVar variation 641284 (VCV000641284.9), dbSNP rs899211928, ClinGen allele CA323032935.

ClinVar aggregate classification (germline): Pathogenic (1 of 4 stars; one submission).

Conditions:
Familial cancer of breast. Also called: BREAST CANCER, FAMILIAL; hereditary breast carcinoma; Hereditary breast cancer. Identifiers: Orphanet 227535, MedGen C0346153, MONDO:0016419, OMIM 114480. Disease mechanism: loss of function.

Allele frequency attached by ClinVar (database versions not stated): gnomAD exomes below 0.00001; TOPMed 0.00001.

Submission:

Labcorp Genetics (formerly Invitae), Labcorp
Classification: Pathogenic for Familial cancer of breast. Last evaluated: 2021-02-13. Review status: criteria provided, single submitter. Criteria: Invitae Variant Classification Sherloc (09022015). Collection method: clinical testing. Allele origin: germline.
Comment: For these reasons, this variant has been classified as Pathogenic. This variant has not been reported in the literature in individuals with CHEK2-related conditions. ClinVar contains an entry for this variant (Variation ID: 641284). This variant is not present in population databases (ExAC no frequency). This sequence change creates a premature translational stop signal (p.Ser192*) in the CHEK2 gene. It is expected to result in an absent or disrupted protein product. Loss-of-function variants in CHEK2 are known to be pathogenic (PMID: 21876083, 24713400).

Literature cited by the submitters: PubMed 21876083; PubMed 24713400.